The following is an entry in ClinVar:

ClinVar aggregate classification (germline): Uncertain significance (1 of 4 stars; one submission).

Conditions:
Hajdu-Cheney syndrome (HJCYS). Also called: ACROOSTEOLYSIS WITH OSTEOPOROSIS AND CHANGES IN SKULL AND MANDIBLE; Acroosteolysis dominant type; SERPENTINE FIBULA-POLYCYSTIC KIDNEY SYNDROME. Identifiers: Orphanet 955, MedGen C0917715, MONDO:0007057, OMIM 102500.

Submission:

Labcorp Genetics (formerly Invitae), Labcorp
Classification: Uncertain significance for Hajdu-Cheney syndrome. Last evaluated: 2023-04-22. Review status: criteria provided, single submitter. Criteria: Invitae Variant Classification Sherloc (09022015). Collection method: clinical testing. Allele origin: germline.
Comment: In summary, the available evidence is currently insufficient to determine the role of this variant in disease. Therefore, it has been classified as a Variant of Uncertain Significance. Advanced modeling of protein sequence and biophysical properties (such as structural, functional, and spatial information, amino acid conservation, physicochemical variation, residue mobility, and thermodynamic stability) performed at Invitae indicates that this missense variant is not expected to disrupt NOTCH2 protein function. This variant has not been reported in the literature in individuals affected with NOTCH2-related conditions. This variant is not present in population databases (gnomAD no frequency). This sequence change replaces leucine, which is neutral and non-polar, with methionine, which is neutral and non-polar, at codon 1012 of the NOTCH2 protein (p.Leu1012Met).

NM_024408.4(NOTCH2):c.3034T>A (p.Leu1012Met)

Gene: NOTCH2 (notch receptor 2; minus strand). Cytogenetic location: 1p12.
Variant type: single nucleotide variant.
Coding change: c.3034T>A on transcript NM_024408.4 (MANE Select); coding-DNA position 3034, T replaced by A.
Protein change: p.Leu1012Met; replaces leucine 1012 with methionine.
Molecular consequence: missense variant.
Genome position (GRCh38, 1-based): chr1:119,940,704, A>T on the plus strand (T>A on the coding strand, the complement: NOTCH2 is on the minus strand). VCF-style: chr1-119940704-A-T. GRCh37 (hg19) VCF-style: chr1-120483327-A-T.
Other names: c.3034T>A, p.Leu1012Met (NM_001200001.2); short protein forms L1012M.
Identifiers: ClinVar variation 2858310 (VCV002858310.3), dbSNP rs77194332, ClinGen allele CA341854917.